The following is an entry in ClinVar:

NM_005359.6(SMAD4):c.870C>T (p.His290=)

Gene: SMAD4 (SMAD family member 4; plus strand). Cytogenetic location: 18q21.2.
Variant type: single nucleotide variant.
Coding change: c.870C>T on transcript NM_005359.6 (MANE Select); coding-DNA position 870, C replaced by T.
Protein change: p.His290=; no amino-acid change (histidine 290 retained).
Molecular consequence: synonymous variant.
Genome position (GRCh38, 1-based): chr18:51,058,422, C>T. VCF-style: chr18-51058422-C-T. GRCh37 (hg19) VCF-style: chr18-48584792-C-T.
Identifiers: ClinVar variation 413442 (VCV000413442.20), dbSNP rs1060504029, ClinGen allele CA16616079.

ClinVar aggregate classification (germline): Conflicting classifications of pathogenicity. Review status: criteria provided, conflicting classifications (1 of 4 stars). 6 submissions from 6 submitters: Uncertain significance (1); Benign (1); Likely benign (4). Last evaluated 2026-01-27.

Conditions:
Hereditary cancer-predisposing syndrome. Also called: Neoplastic Syndromes, Hereditary; Hereditary Cancer Syndrome; Hereditary neoplastic syndrome; Tumor predisposition. Identifiers: Orphanet 140162, MedGen C0027672, MeSH D009386, MONDO:0015356.
Familial thoracic aortic aneurysm and aortic dissection (TAAD). Also called: Thoracic aortic aneurysms and dissections. Identifiers: Orphanet 91387, MedGen C4707243, MONDO:0019625.
Juvenile polyposis syndrome (JPS). Identifiers: Orphanet 2929, MedGen C0345893, MONDO:0017380, OMIM 174900.
Juvenile polyposis/hereditary hemorrhagic telangiectasia syndrome (JPHT). Also called: POLYPOSIS, GENERALIZED JUVENILE, WITH PULMONARY ARTERIOVENOUS MALFORMATION; TELANGIECTASIA, HEREDITARY HEMORRHAGIC, WITH JUVENILE POLYPOSIS COLI; Juvenile Polyposis Syndrome / Hereditary Hemorrhagic Telangiectasia (JPS/HHT); JP/HHT SYNDROME; JUVENILE POLYPOSIS WITH HEREDITARY HEMORRHAGIC TELANGIECTASIA. Identifiers: Orphanet 2929, MedGen C1832942, MONDO:0008278, OMIM 175050.

Allele frequency attached by ClinVar (database versions not stated): gnomAD exomes below 0.00001 and 0.00001; gnomAD 0.00001; TOPMed 0.00001.
gnomAD v4.1: 23 of 1,613,814 alleles (0.0014%); highest among the groups gnomAD compares: Non-Finnish European, 0.0017%; no homozygotes.

Submissions (6):

Labcorp Genetics (formerly Invitae), Labcorp
Classification: Likely benign for Juvenile polyposis syndrome. Last evaluated: 2026-01-27. Review status: criteria provided, single submitter. Criteria: Invitae Variant Classification Sherloc (09022015). Collection method: clinical testing. Allele origin: germline.

Myriad Genetics, Inc.
Classification: Benign for Juvenile polyposis/hereditary hemorrhagic telangiectasia syndrome. Last evaluated: 2025-03-20. Review status: criteria provided, single submitter. Criteria: Myriad Autosomal Dominant, Autosomal Recessive and X-Linked Classification Criteria (2023). Collection method: clinical testing. Allele origin: unknown.
Comment: This variant is considered benign. This variant is a silent/synonymous amino acid change and it is not expected to impact splicing.

All of Us Research Program, National Institutes of Health
Classification: Likely benign for Juvenile polyposis/hereditary hemorrhagic telangiectasia syndrome. Last evaluated: 2023-09-17. Review status: criteria provided, single submitter. Criteria: ACMG Guidelines, 2015. Collection method: clinical testing. Allele origin: germline. Inheritance: Autosomal dominant inheritance. Observed: 2 variant alleles, 2 heterozygotes.
Comment: This study involves interpretation of variants in research participants for the purpose of population health screening. Participant phenotype was not available at the time of variant classification. Additional details can be found in publication PMID: 35346344, PMCID: PMC8962531

Sema4
Classification: Uncertain significance for Hereditary cancer-predisposing syndrome. Last evaluated: 2021-09-11. Review status: criteria provided, single submitter. Criteria: Sema4 Curation Guidelines. Collection method: curation. Allele origin: germline.
Comment: The SMAD4 c.870C>T (p.H290=) variant has not been reported in the literature to our knowledge. It was observed in 1/251452 chromosomes of the total population in the large and broad cohorts of the Genome Aggregation Database (PMID: 32461654). The variant has been reported in ClinVar (Variation ID 413442). The variant involves a moderately conserved position, and in silico tools suggest that the variant does not impact splicing, though these predictions have not been confirmed by functional studies. The evidence is insufficient to meet ACMG/AMP criteria for classifying the variant as benign or pathogenic. Thus, the clinical significance of this variant is currently uncertain.

Color Diagnostics, LLC DBA Color Health
Classification: Likely benign for Hereditary cancer-predisposing syndrome. Last evaluated: 2017-07-13. Review status: criteria provided, single submitter. Criteria: ACMG Guidelines, 2015. Collection method: clinical testing. Allele origin: germline.

Ambry Genetics
Classification: Likely benign for Hereditary cancer-predisposing syndrome; Familial thoracic aortic aneurysm and aortic dissection. Last evaluated: 2015-10-23. Review status: criteria provided, single submitter. Criteria: Ambry Variant Classification Scheme 2023. Collection method: clinical testing. Allele origin: germline.